The following is an entry in ClinVar:

NM_001388492.1(HTT):c.2959T>C (p.Tyr987His)

Gene: HTT (huntingtin; plus strand). Cytogenetic location: 4p16.3.
Variant type: single nucleotide variant.
Coding change: c.2959T>C on transcript NM_001388492.1 (MANE Select); coding-DNA position 2959, T replaced by C.
Protein change: p.Tyr987His; replaces tyrosine 987 with histidine.
Molecular consequence: missense variant.
Genome position (GRCh38, 1-based): chr4:3,142,779, T>C. VCF-style: chr4-3142779-T-C. GRCh37 (hg19) VCF-style: chr4-3144506-T-C.
Other names: c.2965T>C, p.Tyr989His (NM_002111.8); short protein forms Y987H, Y989H.
Identifiers: ClinVar variation 1389707 (VCV001389707.6), dbSNP rs1369807585, ClinGen allele CA356096171.
Genomic context (GRCh38, chr4:3,142,779, plus strand): 5'-TATATGTTTTAATAGTGTATTTTAAGTCTCTATATTTTTGTTATTAGAATATATAGAGGC[T>C]ATAACCTACTACCAAGCATAACAGACGTCACTATGGAAAATAACCTTTCAAGAGTTATTG-3'
Protein context (NP_001375421.1, residues 977-997): VSTITRIYRG[Tyr987His]NLLPSITDVT

ClinVar aggregate classification (germline): Uncertain significance (1 of 4 stars; one submission).

Allele frequency attached by ClinVar (database versions not stated): gnomAD exomes below 0.00001; gnomAD 0.00001; TOPMed 0.00001.
gnomAD v4.1: 4 of 1,509,686 alleles (0.00026%); highest among the groups gnomAD compares: Non-Finnish European, 0.00037%; no homozygotes.

Submission:

Labcorp Genetics (formerly Invitae), Labcorp
Classification: Uncertain significance. Last evaluated: 2022-02-03. Review status: criteria provided, single submitter. Criteria: Invitae Variant Classification Sherloc (09022015). Collection method: clinical testing. Allele origin: germline.
Comment: This variant is present in population databases (no rsID available, gnomAD 0.0009%). This sequence change replaces tyrosine, which is neutral and polar, with histidine, which is basic and polar, at codon 989 of the HTT protein (p.Tyr989His). This variant has not been reported in the literature in individuals affected with HTT-related conditions. Experimental studies and prediction algorithms are not available or were not evaluated, and the functional significance of this variant is currently unknown. In summary, the available evidence is currently insufficient to determine the role of this variant in disease. Therefore, it has been classified as a Variant of Uncertain Significance.